The following is an entry in ClinVar:

NM_003482.4(KMT2D):c.5850C>G (p.Ser1950=)

Gene: KMT2D (lysine methyltransferase 2D; minus strand). Cytogenetic location: 12q13.12.
Variant type: single nucleotide variant.
Coding change: c.5850C>G on transcript NM_003482.4 (MANE Select); coding-DNA position 5850, C replaced by G.
Protein change: p.Ser1950=; no amino-acid change (serine 1950 retained).
Molecular consequence: synonymous variant.
Genome position (GRCh38, 1-based): chr12:49,042,578, G>C on the plus strand (C>G on the coding strand, the complement: KMT2D is on the minus strand). VCF-style: chr12-49042578-G-C. GRCh37 (hg19) VCF-style: chr12-49436361-G-C.
Identifiers: ClinVar variation 4983787 (VCV004983787.1).

ClinVar aggregate classification (germline): Likely benign (1 of 4 stars; one submission).

Conditions:
KMT2D-related disorder. Also called: KMT2D-Related Disorders.

Submission:

PreventionGenetics, part of Exact Sciences
Classification: Likely benign for KMT2D-related condition. Last evaluated: 2024-10-10. Review status: criteria provided, single submitter. Criteria: ACMG Guidelines, 2015. Collection method: clinical testing. Allele origin: germline.
Comment: This variant is classified as likely benign based on ACMG/AMP sequence variant interpretation guidelines (Richards et al. 2015 PMID: 25741868, with internal and published modifications).